The following is an entry in ClinVar:

ClinVar aggregate classification (germline): Uncertain significance (1 of 4 stars; one submission).

Allele frequency attached by ClinVar (database versions not stated): gnomAD 0.00001.
gnomAD v4.1: 10 of 1,610,638 alleles (0.00062%); highest among the groups gnomAD compares: South Asian, 0.0011%; no homozygotes.

Submission:

Labcorp Genetics (formerly Invitae), Labcorp
Classification: Uncertain significance. Last evaluated: 2021-04-20. Review status: criteria provided, single submitter. Criteria: Invitae Variant Classification Sherloc (09022015). Collection method: clinical testing. Allele origin: germline.
Comment: In summary, the available evidence is currently insufficient to determine the role of this variant in disease. Therefore, it has been classified as a Variant of Uncertain Significance. Algorithms developed to predict the effect of missense changes on protein structure and function output the following: SIFT: "Tolerated"; PolyPhen-2: "Benign"; Align-GVGD: "Class C0". The serine amino acid residue is found in multiple mammalian species, suggesting that this missense change does not adversely affect protein function. These predictions have not been confirmed by published functional studies and their clinical significance is uncertain. This variant has not been reported in the literature in individuals with DHX38-related conditions. This variant is present in population databases (rs775116319, ExAC 0.006%). This sequence change replaces asparagine with serine at codon 604 of the DHX38 protein (p.Asn604Ser). The asparagine residue is moderately conserved and there is a small physicochemical difference between asparagine and serine.

NM_014003.4(DHX38):c.1811A>G (p.Asn604Ser)

Gene: DHX38 (DEAH-box helicase 38; plus strand). Cytogenetic location: 16q22.2.
Variant type: single nucleotide variant.
Coding change: c.1811A>G on transcript NM_014003.4 (MANE Select); coding-DNA position 1811, A replaced by G.
Protein change: p.Asn604Ser; replaces asparagine 604 with serine.
Molecular consequence: missense variant.
Genome position (GRCh38, 1-based): chr16:72,103,775, A>G. VCF-style: chr16-72103775-A-G. GRCh37 (hg19) VCF-style: chr16-72137674-A-G.
Other names: short protein forms N604S.
Identifiers: ClinVar variation 1440998 (VCV001440998.8), dbSNP rs775116319, ClinGen allele CA8160401.
Genomic context (GRCh38, chr16:72,103,775, plus strand): 5'-AGCCCCGGCGTGTAGCTGCCATGTCAGTGGCCAAGAGAGTCAGTGAAGAGATGGGGGGAA[A>G]CCTTGGCGAGGAGGTGAGTGGGCGTGGGGGCTGAGCCATGTAGTTATTCCCTAGTAGCTT-3'
Protein context (NP_054722.2, residues 594-614): AKRVSEEMGG[Asn604Ser]LGEEVGYAIR